The following is an entry in ClinVar:

ClinVar aggregate classification (germline): Likely benign. Review status: criteria provided, single submitter (1 of 4 stars). 2 submissions from 2 submitters: Likely benign (1). 1 of the submissions does not count toward it. Last evaluated 2025-10-19.

Conditions:
FAT4-related disorder. Also called: FAT4-related condition.

Allele frequency attached by ClinVar (database versions not stated): ExAC 0.00001; gnomAD exomes 0.00002; gnomAD 0.00003; TOPMed 0.00004.
gnomAD v4.1: 13 of 1,592,234 alleles (0.00082%); highest among the groups gnomAD compares: Admixed American, 0.02%; no homozygotes.

Submissions (2):

Labcorp Genetics (formerly Invitae), Labcorp
Classification: Likely benign. Last evaluated: 2025-10-19. Review status: criteria provided, single submitter. Criteria: Invitae Variant Classification Sherloc (09022015). Collection method: clinical testing. Allele origin: germline.

PreventionGenetics, part of Exact Sciences
Classification: Likely benign for FAT4-related condition. Last evaluated: 2024-07-03. Review status: no assertion criteria provided. Collection method: clinical testing. Allele origin: germline. Not counted in ClinVar's aggregate classification.
Comment: This variant is classified as likely benign based on ACMG/AMP sequence variant interpretation guidelines (Richards et al. 2015 PMID: 25741868, with internal and published modifications).

NM_001291303.3(FAT4):c.12486T>C (p.Pro4162=)

Gene: FAT4 (FAT atypical cadherin 4; plus strand). Cytogenetic location: 4q28.1.
Variant type: single nucleotide variant.
Coding change: c.12486T>C on transcript NM_001291303.3 (MANE Select); coding-DNA position 12486, T replaced by C.
Protein change: p.Pro4162=; no amino-acid change (proline 4162 retained).
Molecular consequence: synonymous variant.
Genome position (GRCh38, 1-based): chr4:125,479,747, T>C. VCF-style: chr4-125479747-T-C. GRCh37 (hg19) VCF-style: chr4-126400902-T-C.
Other names: c.12486T>C, p.Pro4162= (NM_001291285.3); c.12480T>C, p.Pro4160= (NM_024582.6); c.12480T>C (NM_024582.4).
Identifiers: ClinVar variation 2421812 (VCV002421812.8), dbSNP rs569666845, ClinGen allele CA3074125.
Genomic context (GRCh38, chr4:125,479,747, plus strand): 5'-AAACTTCTCCTCATCTTTTATGTGCGTTATTGTTCTCATTATGATTTATTTTAGATGCCC[T>C]AGGCTGGAAGGCGCTTGTACTCGCAGCCCATGCCAACATGGTGGCACATGTATGGATTAC-3'
Protein context (NP_001278232.1, residues 4152-4172): LAAQGILDQC[Pro4162=]RLEGACTRSP